The following continues an entry in ClinVar:

NM_001048174.2(MUTYH):c.849+3A>C

Gene: MUTYH. ClinVar aggregate classification (germline): Pathogenic/Likely pathogenic. Pathogenic (27); Likely pathogenic (2).

Submissions 11 to 30 of 33:

Fulgent Genetics
Classification: Pathogenic for Familial adenomatous polyposis 2; Gastric cancer. Last evaluated: 2024-06-06. Review status: criteria provided, single submitter. Criteria: ACMG Guidelines, 2015. Collection method: clinical testing. Allele origin: germline.

All of Us Research Program, National Institutes of Health
Classification: Pathogenic for Familial adenomatous polyposis 2. Last evaluated: 2024-05-30. Review status: criteria provided, single submitter. Criteria: ACMG Guidelines, 2015. Collection method: clinical testing. Allele origin: germline. Inheritance: Autosomal recessive inheritance. Observed: 33 variant alleles, 33 heterozygotes.
Comment: This variant causes an A to C nucleotide substitution at the +3 position of intron 10 of the MUTYH gene. Functional RNA studies have shown that this variant causes skipping of exon 10, resulting in a frameshift and premature stop codon (p.Gly264Trpfs*7) (PMID: 16616356, 22865608). This variant is expected to result in an absent or non-functional protein product. This variant has been reported in individuals affected with MUTYH-associated polyposis as homozygous or in trans with another pathogenic variant (PMID: 12853198, 16616356, 18495334, 19732775, 20618354, 22773231, 22865608, 23108399, 27829682), colorectal cancer (PMID: 28135145, 29478780, 35668106), breast cancer (PMID: 30564557, 33606809), or pancreatic ductal adenocarcinoma (PMID: 34506673). This variant is considered a founder mutation in Western Europe (PMID: 22865608). This variant has been identified in 21/282792 chromosomes in the general population by the Genome Aggregation Database (gnomAD). Loss of MUTYH function is a known mechanism of disease. Based on the available evidence, this variant is classified as Pathogenic.

This study involves interpretation of variants in research participants for the purpose of population health screening. Participant phenotype was not available at the time of variant classification. Additional details can be found in publication PMID: 35346344, PMCID: PMC8962531

Color Diagnostics, LLC DBA Color Health
Classification: Pathogenic for Hereditary cancer-predisposing syndrome. Last evaluated: 2024-04-22. Review status: criteria provided, single submitter. Criteria: ACMG Guidelines, 2015. Collection method: clinical testing. Allele origin: germline.
Comment: This variant causes an A to C nucleotide substitution at the +3 position of intron 10 of the MUTYH gene. Functional RNA studies have shown that this variant causes skipping of exon 10, resulting in a frameshift and premature stop codon (p.Gly264Trpfs*7) (PMID: 16616356, 22865608). This variant is expected to result in an absent or non-functional protein product. This variant has been reported in individuals affected with MUTYH-associated polyposis as homozygous or in trans with another pathogenic variant (PMID: 12853198, 16616356, 18495334, 19732775, 20618354, 22773231, 22865608, 23108399, 27829682), colorectal cancer (PMID: 28135145, 29478780, 35668106), breast cancer (PMID: 30564557, 33606809), or pancreatic ductal adenocarcinoma (PMID: 34506673). This variant is considered a founder mutation in Western Europe (PMID: 22865608). This variant has been identified in 21/282792 chromosomes in the general population by the Genome Aggregation Database (gnomAD). Loss of MUTYH function is a known mechanism of disease. Based on the available evidence, this variant is classified as Pathogenic.

Baylor Genetics
Classification: Pathogenic for Familial adenomatous polyposis 2. Last evaluated: 2024-03-27. Review status: criteria provided, single submitter. Criteria: ACMG Guidelines, 2015. Collection method: clinical testing. Allele origin: unknown.

Quest Diagnostics Nichols Institute San Juan Capistrano
Classification: Pathogenic. Last evaluated: 2023-12-19. Review status: criteria provided, single submitter. Criteria: Quest Diagnostics criteria. Collection method: clinical testing. Allele origin: unknown.
Comment: The MUTYH c.933+3A>C variant has been reported in the published literature in homozygous and compound heterozygous individuals with MUTYH-Associated Polyposis (MAP) (PMIDs: 32088803 (2020), 27829682 (2016), 22865608 (2013), 19732775 (2009)) and colon cancer (PMIDs: 30604180 (2019), 28135145 (2017), 22773231 (2013), 12853198 (2003)). Functional studies show this variant causes altered exon 10 splicing (PMID: 22865608 (2013), 16616356 (2006)), as well as reduced protein expression and abolished DNA glycosylase activity (PMID: 23108399 (2013)). Analysis of this variant using software algorithms for the prediction of the effect of nucleotide changes on splicing yielded predictions that this variant may affect proper MUTYH mRNA splicing. Based on the available information, this variant is classified as pathogenic.

Institute for Biomarker Research, Medical Diagnostic Laboratories, L.L.C.
Classification: Likely pathogenic for Hereditary cancer-predisposing syndrome. Last evaluated: 2023-12-05. Review status: criteria provided, single submitter. Criteria: ACMG Guidelines, 2015. Collection method: clinical testing. Allele origin: germline.

Revvity Omics, Revvity
Classification: Pathogenic for Familial adenomatous polyposis 2. Last evaluated: 2023-11-20. Review status: criteria provided, single submitter. Criteria: ACMG Guidelines, 2015. Collection method: clinical testing. Allele origin: germline.

MGZ Medical Genetics Center
Classification: Pathogenic for Familial adenomatous polyposis 2. Last evaluated: 2022-06-29. Review status: criteria provided, single submitter. Criteria: ACMG Guidelines, 2015. Collection method: clinical testing. Allele origin: germline. Affected: yes. Observed: 2 variant alleles.
Comment: ACMG criteria applied: PM3_VSTR, PS3, PS4, PP1_STR, PM2_SUP

GeneDx
Classification: Pathogenic. Last evaluated: 2021-12-22. Review status: criteria provided, single submitter. Criteria: GeneDx Variant Classification Process June 2021. Collection method: clinical testing. Allele origin: germline. Affected: yes.
Comment: Splice site variant demonstrated to result in exon 10 skipping in a gene for which loss-of-function is a known mechanism of disease (Kanter-Smoler 2006, Pin 2013); Published functional studies demonstrate a damaging effect: defects in glycosylase activity (Ruggieri 2013); This variant is associated with the following publications: (PMID: 20618354, 30233642, 30604180, 12853198, 26202870, 25980754, 23108399, 22865608, 19732775, 27194394, 26798439, 27829682, 26446593, 27799157, 23891399, 16616356, 16140997, 18495334, 22976915, 29406563, 22773231, 31277343, 32088803, 33258288, 30787465, 33606809, 34026625, 34704405, 34485163)

Department of Pediatrics, Memorial Sloan Kettering Cancer Center
Classification: Pathogenic for Familial adenomatous polyposis 2. Last evaluated: 2020-12-15. Review status: criteria provided, single submitter. Criteria: ACMG Guidelines, 2015. Collection method: research. Allele origin: germline. Affected: no.

Genetic Services Laboratory, University of Chicago
Classification: Pathogenic. Last evaluated: 2020-05-27. Review status: criteria provided, single submitter. Criteria: ACMG Guidelines, 2015. Collection method: clinical testing. Allele origin: germline. Affected: yes.

AiLife Diagnostics
Classification: Pathogenic. Last evaluated: 2020-04-03. Review status: criteria provided, single submitter. Criteria: ACMG Guidelines, 2015. Collection method: clinical testing. Allele origin: germline. Affected: yes. Observed: 1 variant allele.

Department of Molecular Diagnostics, Institute of Oncology Ljubljana
Classification: Pathogenic for Familial adenomatous polyposis 2. Last evaluated: 2020-04-02. Review status: criteria provided, single submitter. Criteria: ACMG Guidelines, 2015. Collection method: clinical testing. Allele origin: germline. Affected: yes.

Laboratory for Molecular Medicine, Mass General Brigham Personalized Medicine
Classification: Pathogenic for Familial adenomatous polyposis 2. Last evaluated: 2019-12-11. Review status: criteria provided, single submitter. Criteria: ACMG Guidelines, 2015. Collection method: clinical testing. Allele origin: germline. Inheritance: Autosomal recessive inheritance.
Comment: The c.933+3A>C variant in MUTYH has been previously reported in 24 individuals (23 were compound heterozygotes, 1 was a homozygote, and 1 was a heterozygote) with MUTYH-related attenuated familial adenomatous polyposis (FAP)and segregated with disease in 7 affected family members (Sampson 2003, Vogt 2009, Pin 2013). It has also been identified in 0.01% (18/129140) of European chromosomes by gnomAD.This frequency is low enough to be consistent with the carrier frequency of MUTYH-related attenuated FAP in the general population. This variant is located in the 5' splice region. Computational tools do suggest an impact to splicing and functional studies provide evidence that this variant alters splicing (Pin 2013). In summary, this variant meets criteria to be classified as pathogenic for FAP in an autosomal recessive manner. ACMG/AMP Criteria applied: PM3_VeryStrong, PP1_Strong, PS3_Moderate, PP3.

Department of Pathology and Laboratory Medicine, Sinai Health System
Classification: Pathogenic for Familial adenomatous polyposis 2. Last evaluated: 2019-04-01. Review status: criteria provided, single submitter. Criteria: ACMG Guidelines, 2015. Collection method: research. Allele origin: germline.

Human Genome Sequencing Center Clinical Lab, Baylor College of Medicine
Classification: Pathogenic for MUTYH-associated polyposis. Last evaluated: 2019-01-30. Review status: criteria provided, single submitter. Criteria: ACMG Guidelines, 2015. Collection method: clinical testing. Allele origin: unknown.

HudsonAlpha Institute for Biotechnology
Classification: Pathogenic for Familial adenomatous polyposis 2. Last evaluated: 2018-10-10. Review status: criteria provided, single submitter. Criteria: ACMG Guidelines, 2015. Collection method: research. Allele origin: unknown. Observed: 1 variant allele. Study: AGHI_GT.

Mendelics
Classification: Pathogenic for MYH-associated polyposis. Last evaluated: 2018-07-02. Review status: criteria provided, single submitter. Criteria: Mendelics Assertion Criteria 2017. Collection method: clinical testing. Allele origin: unknown.

Eurofins Ntd Llc (ga)
Classification: Pathogenic. Last evaluated: 2015-07-09. Review status: criteria provided, single submitter. Criteria: EGL Classification Definitions 2015. Collection method: clinical testing. Allele origin: germline. Observed: 3 variant alleles, 3 heterozygotes.

Counsyl
Classification: Pathogenic for Familial adenomatous polyposis 2. Last evaluated: 2016-03-18. Review status: no assertion criteria provided. Collection method: clinical testing. Allele origin: unknown. Not counted in ClinVar's aggregate classification.